The following is an entry in ClinVar:

NM_005989.4(AKR1D1):c.906G>A (p.Leu302=)

Gene: AKR1D1 (aldo-keto reductase family 1 member D1; plus strand). Cytogenetic location: 7q33.
Variant type: single nucleotide variant.
Coding change: c.906G>A on transcript NM_005989.4 (MANE Select); coding-DNA position 906, G replaced by A.
Protein change: p.Leu302=; no amino-acid change (leucine 302 retained).
Molecular consequence: synonymous variant. On other transcripts: intron variant (1).
Genome position (GRCh38, 1-based): chr7:138,113,740, G>A. VCF-style: chr7-138113740-G-A. GRCh37 (hg19) VCF-style: chr7-137798486-G-A.
Other names: c.783G>A, p.Leu261= (NM_001190906.2); c.856-2880G>A (NM_001190907.2); c.906G>A (NM_005989.3).
Identifiers: ClinVar variation 594217 (VCV000594217.6), dbSNP rs1034543165, ClinGen allele CA167098162.

ClinVar aggregate classification (germline): Conflicting classifications of pathogenicity. Review status: criteria provided, conflicting classifications (1 of 4 stars). 2 submissions from 2 submitters: Uncertain significance (1); Likely benign (1). Last evaluated 2026-04-27.

Conditions:
AKR1D1-related disorder. Also called: AKR1D1-related condition.

Allele frequency attached by ClinVar (database versions not stated): gnomAD exomes below 0.00001 and 0.00001; gnomAD 0.00003 and 0.00004; TOPMed 0.00003.
gnomAD v4.1: 6 of 1,614,008 alleles (0.00037%); highest among the groups gnomAD compares: African/African-American, 0.008%; no homozygotes.

Submissions (2):

PreventionGenetics, part of Exact Sciences
Classification: Likely benign for AKR1D1-related condition. Last evaluated: 2026-04-27. Review status: criteria provided, single submitter. Criteria: ACMG Guidelines, 2015. Collection method: clinical testing. Allele origin: germline.
Comment: This variant is classified as likely benign based on ACMG/AMP sequence variant interpretation guidelines (Richards et al. 2015 PMID: 25741868, with internal and published modifications).

Eurofins Ntd Llc (ga)
Classification: Uncertain significance. Last evaluated: 2017-09-29. Review status: criteria provided, single submitter. Criteria: EGL Classification Definitions 2015. Collection method: clinical testing. Allele origin: germline. Observed: 1 variant allele, 1 heterozygote.